The following is an entry in ClinVar:

ClinVar aggregate classification (germline): Conflicting classifications of pathogenicity. Review status: criteria provided, conflicting classifications (1 of 4 stars). 3 submissions from 3 submitters: Uncertain significance (1); Likely benign (2). Last evaluated 2025-01-23.

Conditions:
AMACR-related disorder. Also called: AMACR-Related Disorders; AMACR-related condition.
Alpha-methylacyl-CoA racemase deficiency (AMACRD). Also called: AMACR deficiency. Identifiers: Orphanet 79095, MedGen C3280428, MONDO:0013681, OMIM 614307. Disease mechanism: loss of function.

Allele frequency attached by ClinVar (database versions not stated): gnomAD 0.00001; TOPMed 0.00001; ExAC 0.00002; gnomAD exomes 0.00002; ESP Exome Variant Server 0.00015.
gnomAD v4.1: 20 of 1,611,362 alleles (0.0012%); highest among the groups gnomAD compares: Middle Eastern, 0.016%; no homozygotes.

Submissions (3):

PreventionGenetics, part of Exact Sciences
Classification: Likely benign for AMACR-related condition. Last evaluated: 2025-01-23. Review status: criteria provided, single submitter. Criteria: ACMG Guidelines, 2015. Collection method: clinical testing. Allele origin: germline.
Comment: This variant is classified as likely benign based on ACMG/AMP sequence variant interpretation guidelines (Richards et al. 2015 PMID: 25741868, with internal and published modifications).

Labcorp Genetics (formerly Invitae), Labcorp
Classification: Likely benign for Alpha-methylacyl-CoA racemase deficiency. Last evaluated: 2024-12-04. Review status: criteria provided, single submitter. Criteria: Invitae Variant Classification Sherloc (09022015). Collection method: clinical testing. Allele origin: germline.

Illumina Laboratory Services, Illumina
Classification: Uncertain significance for Alpha-methylacyl-CoA racemase deficiency. Last evaluated: 2018-01-13. Review status: criteria provided, single submitter. Criteria: ICSL Variant Classification Criteria 13 December 2019. Collection method: clinical testing. Allele origin: germline.

NM_014324.6(AMACR):c.48G>A (p.Pro16=)

Genes: AMACR (alpha-methylacyl-CoA racemase; minus strand), C1QTNF3-AMACR (C1QTNF3-AMACR readthrough (NMD candidate); minus strand). Cytogenetic location: 5p13.2.
Variant type: single nucleotide variant.
Coding change: c.48G>A on transcript NM_014324.6 (MANE Select); coding-DNA position 48, G replaced by A.
Protein change: p.Pro16=; no amino-acid change (proline 16 retained).
Molecular consequence: synonymous variant.
Genome position (GRCh38, 1-based): chr5:34,007,972, C>T on the plus strand (G>A on the coding strand, the complement: AMACR is on the minus strand). VCF-style: chr5-34007972-C-T. GRCh37 (hg19) VCF-style: chr5-34008077-C-T.
Other names: c.48G>A, p.Pro16= (NM_001167595.2, NM_203382.3).
Identifiers: ClinVar variation 353256 (VCV000353256.9), dbSNP rs144271819, ClinGen allele CA3226305.